The following is an entry in ClinVar:

NM_001382567.1(STIM1):c.605C>T (p.Pro202Leu)

Gene: STIM1 (stromal interaction molecule 1; plus strand). Cytogenetic location: 11p15.4.
Variant type: single nucleotide variant.
Coding change: c.605C>T on transcript NM_001382567.1 (MANE Select); coding-DNA position 605, C replaced by T.
Protein change: p.Pro202Leu; replaces proline 202 with leucine.
Molecular consequence: missense variant. On other transcripts: non-coding transcript variant (3), intron variant (1).
Genome position (GRCh38, 1-based): chr11:4,059,388, C>T. VCF-style: chr11-4059388-C-T. GRCh37 (hg19) VCF-style: chr11-4080618-C-T.
Other names: c.605C>T, p.Pro202Leu (NM_001277961.3, NM_001277962.2, NM_001382568.1 and 2 more transcripts); c.383C>T, p.Pro128Leu (NM_001382566.1, NM_001382573.1, NM_001382574.1 and 5 more transcripts); c.470C>T, p.Pro157Leu (NM_001382569.1); c.125C>T, p.Pro42Leu (NM_001382571.1); c.116C>T, p.Pro39Leu (NM_001382580.1, NM_001382581.1); c.386-10638C>T (NM_001382570.1); short protein forms P157L, P42L, P128L, P202L, P39L.
Identifiers: ClinVar variation 961446 (VCV000961446.13), dbSNP rs1242032695, ClinGen allele CA379485913.

ClinVar aggregate classification (germline): Uncertain significance. Review status: criteria provided, multiple submitters, no conflicts (2 of 4 stars). 4 submissions from 4 submitters: Uncertain significance (4). Last evaluated 2025-07-27.

Conditions:
Inborn genetic diseases. Identifiers: MedGen C0950123, MeSH D030342.
Combined immunodeficiency due to STIM1 deficiency. Also called: IMMUNODEFICIENCY 10; STIM1 DEFICIENCY. Identifiers: Orphanet 169090, Orphanet 317430, MedGen C2748557, MONDO:0013008, OMIM 612783.
Myopathy with tubular aggregates (TAM). Also called: Tubular Aggregate Myopathy. Identifiers: Orphanet 2593, MedGen C0410207, MONDO:0008051.
Stormorken syndrome (STRMK). Also called: THROMBOCYTOPATHY, ASPLENIA, AND MIOSIS. Identifiers: Orphanet 3204, MedGen C1861451, MONDO:0008497, OMIM 185070.
STIM1-related disorder. Also called: STIM1-related condition.
Myopathy, tubular aggregate, 1 (TAM1). Identifiers: MedGen C4011726, MONDO:0024531, OMIM 160565.

Allele frequency attached by ClinVar (database versions not stated): gnomAD 0.00001; TOPMed 0.00001.
gnomAD v4.1: 1 of 1,613,788 alleles (0.000062%); highest among the groups gnomAD compares: Non-Finnish European, 0.000085%; no homozygotes.

Submissions (4):

Labcorp Genetics (formerly Invitae), Labcorp
Classification: Uncertain significance for Myopathy with tubular aggregates; Combined immunodeficiency due to STIM1 deficiency; Stormorken syndrome. Last evaluated: 2025-07-27. Review status: criteria provided, single submitter. Criteria: Invitae Variant Classification Sherloc (09022015). Collection method: clinical testing. Allele origin: germline.
Comment: This sequence change replaces proline, which is neutral and non-polar, with leucine, which is neutral and non-polar, at codon 202 of the STIM1 protein (p.Pro202Leu). This variant is not present in population databases (gnomAD no frequency). This variant has not been reported in the literature in individuals affected with STIM1-related conditions. ClinVar contains an entry for this variant (Variation ID: 961446). Invitae Evidence Modeling of protein sequence and biophysical properties (such as structural, functional, and spatial information, amino acid conservation, physicochemical variation, residue mobility, and thermodynamic stability) has been performed for this missense variant. However, the output from this modeling did not meet the statistical confidence thresholds required to predict the impact of this variant on STIM1 protein function. In summary, the available evidence is currently insufficient to determine the role of this variant in disease. Therefore, it has been classified as a Variant of Uncertain Significance.

Ambry Genetics
Classification: Uncertain significance for Inborn genetic diseases. Last evaluated: 2025-05-20. Review status: criteria provided, single submitter. Criteria: Ambry Variant Classification Scheme 2023. Collection method: clinical testing. Allele origin: germline.

PreventionGenetics, part of Exact Sciences
Classification: Uncertain significance for STIM1-related condition. Last evaluated: 2022-10-24. Review status: criteria provided, single submitter. Criteria: ACMG Guidelines, 2015. Collection method: clinical testing. Allele origin: germline.
Comment: The STIM1 c.605C>T variant is predicted to result in the amino acid substitution p.Pro202Leu. To our knowledge, this variant has not been reported in the literature or in a large population database, indicating this variant is rare. At this time, the clinical significance of this variant is uncertain due to the absence of conclusive functional and genetic evidence.

Fulgent Genetics
Classification: Uncertain significance for Myopathy, tubular aggregate, 1; Stormorken syndrome; Combined immunodeficiency due to STIM1 deficiency. Last evaluated: 2022-04-20. Review status: criteria provided, single submitter. Criteria: ACMG Guidelines, 2015. Collection method: clinical testing. Allele origin: unknown.